The following is an entry in ClinVar:

ClinVar aggregate classification (germline): Likely pathogenic (1 of 4 stars; one submission).

Conditions:
EPCAM-related disorder. Also called: EPCAM-related condition.

gnomAD v4.1: 1 of 1,613,576 alleles (0.000062%); highest among the groups gnomAD compares: Non-Finnish European, 0.000085%; no homozygotes.

Submission:

PreventionGenetics, part of Exact Sciences
Classification: Likely pathogenic for EPCAM-related condition. Last evaluated: 2024-11-25. Review status: criteria provided, single submitter. Criteria: ACMG Guidelines, 2015. Collection method: clinical testing. Allele origin: germline.
Comment: The EPCAM c.685A>T variant is predicted to result in premature protein termination (p.Lys229*). To our knowledge, this variant has not been reported in the literature or in a large population database (gnomAD), indicating this variant is rare. Nonsense variants in EPCAM are expected to be pathogenic. This variant is interpreted as likely pathogenic.

NM_002354.3(EPCAM):c.685A>T (p.Lys229Ter)

Gene: EPCAM (epithelial cell adhesion molecule; plus strand). Cytogenetic location: 2p21.
Variant type: single nucleotide variant.
Coding change: c.685A>T on transcript NM_002354.3 (MANE Select); coding-DNA position 685, A replaced by T.
Protein change: p.Lys229Ter; replaces lysine 229 with a stop codon.
Molecular consequence: nonsense.
Genome position (GRCh38, 1-based): chr2:47,379,796, A>T. VCF-style: chr2-47379796-A-T. GRCh37 (hg19) VCF-style: chr2-47606935-A-T.
Other names: short protein forms K229*.
Identifiers: ClinVar variation 4984672 (VCV004984672.1).